The following is an entry in ClinVar:

ClinVar aggregate classification (germline): Uncertain significance (1 of 4 stars; one submission).

gnomAD v4.1: 5 of 1,614,030 alleles (0.00031%); highest among the groups gnomAD compares: Non-Finnish European, 0.00042%; no homozygotes.

Submission:

Labcorp Genetics (formerly Invitae), Labcorp
Classification: Uncertain significance. Last evaluated: 2025-12-14. Review status: criteria provided, single submitter. Criteria: Invitae Variant Classification Sherloc (09022015). Collection method: clinical testing. Allele origin: germline.
Comment: This sequence change replaces isoleucine, which is neutral and non-polar, with valine, which is neutral and non-polar, at codon 154 of the ADAMTS17 protein (p.Ile154Val). This variant is present in population databases (rs767247318, gnomAD 0.0009%). This variant has not been reported in the literature in individuals affected with ADAMTS17-related conditions. An algorithm developed to predict the effect of missense changes on protein structure and function (PolyPhen-2) suggests that this variant is likely to be disruptive. In summary, the available evidence is currently insufficient to determine the role of this variant in disease. Therefore, it has been classified as a Variant of Uncertain Significance.

NM_139057.4(ADAMTS17):c.460A>G (p.Ile154Val)

Gene: ADAMTS17 (ADAM metallopeptidase with thrombospondin type 1 motif 17; minus strand). Cytogenetic location: 15q26.3.
Variant type: single nucleotide variant.
Coding change: c.460A>G on transcript NM_139057.4 (MANE Select); coding-DNA position 460, A replaced by G.
Protein change: p.Ile154Val; replaces isoleucine 154 with valine.
Molecular consequence: missense variant.
Genome position (GRCh38, 1-based): chr15:100,331,045, T>C on the plus strand (A>G on the coding strand, the complement: ADAMTS17 is on the minus strand). VCF-style: chr15-100331045-T-C. GRCh37 (hg19) VCF-style: chr15-100871250-T-C.
Other names: short protein forms I154V.
Identifiers: ClinVar variation 4763258 (VCV004763258.1).